The following is an entry in ClinVar:

ClinVar aggregate classification (germline): Conflicting classifications of pathogenicity. Review status: criteria provided, conflicting classifications (1 of 4 stars). 8 submissions from 8 submitters: Uncertain significance (3); Benign (1); Likely benign (1). 3 of the submissions do not count toward it. Last evaluated 2026-01-25.

Conditions:
Cardiovascular phenotype. Identifiers: MedGen CN230736.
Arrhythmogenic right ventricular dysplasia 12. Also called: ARRHYTHMOGENIC RIGHT VENTRICULAR DYSPLASIA, FAMILIAL, 12. Identifiers: MedGen C1969081, MONDO:0012684, OMIM 611528.
Naxos disease (NXD). Also called: WOOLLY HAIR, PALMOPLANTAR KERATODERMA, AND CARDIAC ABNORMALITIES; KERATOSIS PALMOPLANTARIS WITH ARRHYTHMOGENIC CARDIOMYOPATHY; MAL DE NAXOS; PALMOPLANTAR KERATODERMA WITH ARRHYTHMOGENIC RIGHT VENTRICULAR CARDIOMYOPATHY AND WOOLLY HAIR; CARDIOMYOPATHY, ARRHYTHMOGENIC RIGHT VENTRICULAR, WITH SKIN, HAIR, AND NAIL ABNORMALITIES. Identifiers: Orphanet 34217, MedGen C1832600, MONDO:0011017, OMIM 601214.

Allele frequency attached by ClinVar (database versions not stated): gnomAD exomes 0.00003 and 0.00016; gnomAD 0.00007 and 0.00009; TOPMed 0.00010; ExAC 0.00019; 1000 Genomes Project 30x 0.00047; 1000 Genomes Project 0.00060.
gnomAD v4.1: 69 of 1,614,038 alleles (0.0043%); highest among the groups gnomAD compares: East Asian, 0.089%; no homozygotes.

Submissions (8):

Labcorp Genetics (formerly Invitae), Labcorp
Classification: Likely benign for Arrhythmogenic right ventricular dysplasia 12; Naxos disease. Last evaluated: 2026-01-25. Review status: criteria provided, single submitter. Criteria: Invitae Variant Classification Sherloc (09022015). Collection method: clinical testing. Allele origin: germline.

Blueprint Genetics
Classification: Uncertain significance. Last evaluated: 2024-10-15. Review status: criteria provided, single submitter. Criteria: ACMG Guidelines, 2015. Collection method: clinical testing. Allele origin: germline.

GeneDx
Classification: Uncertain significance. Last evaluated: 2024-08-13. Review status: criteria provided, single submitter. Criteria: GeneDx Variant Classification Process June 2021. Collection method: clinical testing. Allele origin: germline. Affected: yes.
Comment: In silico analysis supports that this missense variant has a deleterious effect on protein structure/function; This variant is associated with the following publications: (PMID: 29502107, 27707468)

Ambry Genetics
Classification: Benign for Cardiovascular phenotype. Last evaluated: 2024-02-02. Review status: criteria provided, single submitter. Criteria: Ambry Variant Classification Scheme 2023. Collection method: clinical testing. Allele origin: germline.

Mayo Clinic Laboratories, Mayo Clinic
Classification: Uncertain significance. Last evaluated: 2021-09-13. Review status: criteria provided, single submitter. Criteria: ACMG Guidelines, 2015. Collection method: clinical testing. Allele origin: germline.

Cardiology, Hunan Children’s Hospital
Classification: Likely pathogenic for Arrhythmogenic right ventricular dysplasia 12. Last evaluated: 2022-10-20. Review status: no assertion criteria provided. Collection method: clinical testing. Allele origin: maternal. Inheritance: Autosomal recessive inheritance. Affected: yes. Observed: 4 variant alleles, 1 heterozygote, 1 compound heterozygote, 1 homozygote, 1 hemizygote. Not counted in ClinVar's aggregate classification.
Comment: The JUP gene is found on chromosome 17q21, which is located at desmosomes and adhesive junctions between cells.

Clinical Genetics DNA and cytogenetics Diagnostics Lab, Erasmus MC, Erasmus Medical Center
Classification: Uncertain significance. Review status: no assertion criteria provided. Collection method: clinical testing. Allele origin: germline. Affected: yes. Study: VKGL Data-share Consensus. Not counted in ClinVar's aggregate classification.

Joint Genome Diagnostic Labs from Nijmegen and Maastricht, Radboudumc and MUMC+
Classification: Uncertain significance. Review status: no assertion criteria provided. Collection method: clinical testing. Allele origin: germline. Affected: yes. Study: VKGL Data-share Consensus. Not counted in ClinVar's aggregate classification.

Literature cited by the submitters: PubMed 27707468 (cited by Ambry Genetics); PubMed 31275992 (cited by Cardiology, Hunan Children’s Hospital).

NM_002230.4(JUP):c.958C>T (p.Arg320Cys)

Gene: JUP (junction plakoglobin; minus strand). Cytogenetic location: 17q21.2.
Variant type: single nucleotide variant.
Coding change: c.958C>T on transcript NM_002230.4 (MANE Select); coding-DNA position 958, C replaced by T.
Protein change: p.Arg320Cys; replaces arginine 320 with cysteine.
Molecular consequence: missense variant.
Genome position (GRCh38, 1-based): chr17:41,765,019, G>A on the plus strand (C>T on the coding strand, the complement: JUP is on the minus strand). VCF-style: chr17-41765019-G-A. GRCh37 (hg19) VCF-style: chr17-39921271-G-A.
Other names: p.R320C:CGT>TGT; p.Arg320Cys; c.958C>T, p.Arg320Cys (NM_001352773.2, NM_001352774.2, NM_001352775.2 and 3 more transcripts); short protein forms R320C.
Identifiers: ClinVar variation 201833 (VCV000201833.52), dbSNP rs200740462, ClinGen allele CA308576.